The following is an entry in ClinVar:

NM_006648.4(WNK2):c.1801C>T (p.Pro601Ser)

Gene: WNK2 (WNK lysine deficient protein kinase 2; plus strand). Cytogenetic location: 9q22.31.
Variant type: single nucleotide variant.
Coding change: c.1801C>T on transcript NM_006648.4 (MANE Select); coding-DNA position 1801, C replaced by T.
Protein change: p.Pro601Ser; replaces proline 601 with serine.
Molecular consequence: missense variant.
Genome position (GRCh38, 1-based): chr9:93,247,801, C>T. VCF-style: chr9-93247801-C-T. GRCh37 (hg19) VCF-style: chr9-96010083-C-T.
Other names: c.1801C>T, p.Pro601Ser (NM_001282394.3); short protein forms P601S.
Identifiers: ClinVar variation 3470740 (VCV003470740.2).

ClinVar aggregate classification (germline): Uncertain significance (1 of 4 stars; one submission).

gnomAD v4.1: 58 of 1,543,456 alleles (0.0038%); highest among the groups gnomAD compares: South Asian, 0.055%; 1 homozygote.

Submission:

Ambry Genetics
Classification: Uncertain significance. Last evaluated: 2025-01-05. Review status: criteria provided, single submitter. Criteria: Ambry Variant Classification Scheme 2023. Collection method: clinical testing. Allele origin: germline.
Comment: The p.P601S variant (also known as c.1801C>T), located in coding exon 7 of the WNK2 gene, results from a C to T substitution at nucleotide position 1801. The proline at codon 601 is replaced by serine, an amino acid with similar properties. This amino acid position is conserved. In addition, this alteration is predicted to be tolerated by in silico analysis. Based on the available evidence, the clinical significance of this variant remains unclear.